The following is an entry in ClinVar:

ClinVar aggregate classification (germline): Uncertain significance (1 of 4 stars; one submission).

Conditions:
Hereditary cancer-predisposing syndrome. Also called: Neoplastic Syndromes, Hereditary; Hereditary neoplastic syndrome; Tumor predisposition; Hereditary Cancer Syndrome. Identifiers: Orphanet 140162, MedGen C0027672, MeSH D009386, MONDO:0015356.

Submission:

Ambry Genetics
Classification: Uncertain significance for Hereditary cancer-predisposing syndrome. Last evaluated: 2026-01-28. Review status: criteria provided, single submitter. Criteria: Ambry Variant Classification Scheme 2023. Collection method: clinical testing. Allele origin: germline.
Comment: The p.I483K variant (also known as c.1448T>A), located in coding exon 9 of the BRCA1 gene, results from a T to A substitution at nucleotide position 1448. The isoleucine at codon 483 is replaced by lysine, an amino acid with dissimilar properties. This amino acid position is not well conserved in available vertebrate species. In addition, the in silico prediction for this alteration is inconclusive. Based on the available evidence, the clinical significance of this variant remains unclear.

NM_007294.4(BRCA1):c.1448T>A (p.Ile483Lys)

Gene: BRCA1 (BRCA1 DNA repair associated; minus strand). Cytogenetic location: 17q21.31.
Variant type: single nucleotide variant.
Coding change: c.1448T>A on transcript NM_007294.4 (MANE Select); coding-DNA position 1448, T replaced by A.
Protein change: p.Ile483Lys; replaces isoleucine 483 with lysine.
Molecular consequence: missense variant. On other transcripts: intron variant (137).
Genome position (GRCh38, 1-based): chr17:43,094,083, A>T on the plus strand (T>A on the coding strand, the complement: BRCA1 is on the minus strand). VCF-style: chr17-43094083-A-T. GRCh37 (hg19) VCF-style: chr17-41246100-A-T.
Other names: c.523+661T>A (NM_001408497.1, NM_001408496.1, NM_001408498.1 and 3 more transcripts); c.787+661T>A (NM_001407973.1, NM_001407980.1, NM_001407993.1 and 19 more transcripts); c.404-3051T>A (NM_001408511.1); c.646+661T>A (NM_001408457.1, NM_001408460.1, NM_001408454.1 and 11 more transcripts); c.520+661T>A (NM_001408505.1, NM_001408503.1, NM_001408504.1); c.460+1763T>A (NM_001408507.1, NM_001408506.1); c.545-3051T>A (NM_001408495.1); c.661+661T>A (NM_001408448.1, NM_001408445.1, NM_001408432.1 and 6 more transcripts); and 40 more; short protein forms I395K, I412K, I436K, I456K, I457K, I355K, I371K, I372K.
Identifiers: ClinVar variation 4824190 (VCV004824190.1).